The following is an entry in ClinVar:

NM_007126.5(VCP):c.265C>T (p.Arg89Trp)

Gene: VCP (valosin containing protein; minus strand). Cytogenetic location: 9p13.3.
Variant type: single nucleotide variant.
Coding change: c.265C>T on transcript NM_007126.5 (MANE Select); coding-DNA position 265, C replaced by T.
Protein change: p.Arg89Trp; replaces arginine 89 with tryptophan.
Molecular consequence: missense variant.
Genome position (GRCh38, 1-based): chr9:35,067,928, G>A on the plus strand (C>T on the coding strand, the complement: VCP is on the minus strand). VCF-style: chr9-35067928-G-A. GRCh37 (hg19) VCF-style: chr9-35067925-G-A.
Other names: c.130C>T, p.Arg44Trp (NM_001354927.2, NM_001354928.2); c.265C>T (NM_007126.3); short protein forms R44W, R89W.
Identifiers: ClinVar variation 1010487 (VCV001010487.10), dbSNP rs1828865320, ClinGen allele CA373293559.

ClinVar aggregate classification (germline): Conflicting classifications of pathogenicity. Review status: criteria provided, conflicting classifications (1 of 4 stars). 2 submissions from 2 submitters: Pathogenic (1); Uncertain significance (1). Last evaluated 2025-08-21.

Conditions:
Inclusion body myopathy with Paget disease of bone and frontotemporal dementia. Also called: Inclusion body myopathy with early-onset Paget disease and frontotemporal dementia. Identifiers: Orphanet 52430, MedGen C1833662, MONDO:0000507.
Frontotemporal dementia and/or amyotrophic lateral sclerosis 6 (FTDALS6). Also called: VCP-Related Amyotrophic Lateral Sclerosis; VCP-Related Amyotrophic Lateral Sclerosis/Frontotemporal Dementia. Identifiers: Orphanet 275872, Orphanet 803, MedGen C5436279, MONDO:0013501, OMIM 613954.

Submissions (2):

Labcorp Genetics (formerly Invitae), Labcorp
Classification: Pathogenic for Inclusion body myopathy with Paget disease of bone and frontotemporal dementia; Frontotemporal dementia and/or amyotrophic lateral sclerosis 6. Last evaluated: 2025-08-21. Review status: criteria provided, single submitter. Criteria: Invitae Variant Classification Sherloc (09022015). Collection method: clinical testing. Allele origin: germline.
Comment: This sequence change replaces arginine, which is basic and polar, with tryptophan, which is neutral and slightly polar, at codon 89 of the VCP protein (p.Arg89Trp). This variant is not present in population databases (gnomAD no frequency). This missense change has been observed in individuals with VCP-related conditions (PMID: 30955949, 37303947). ClinVar contains an entry for this variant (Variation ID: 1010487). Invitae Evidence Modeling of protein sequence and biophysical properties (such as structural, functional, and spatial information, amino acid conservation, physicochemical variation, residue mobility, and thermodynamic stability) indicates that this missense variant is expected to disrupt VCP protein function with a positive predictive value of 95%. This variant disrupts the p.Arg89 amino acid residue in VCP. Other variant(s) that disrupt this residue have been determined to be pathogenic (PMID: 31866807; internal data). This suggests that this residue is clinically significant, and that variants that disrupt this residue are likely to be disease-causing. For these reasons, this variant has been classified as Pathogenic.

GeneDx
Classification: Uncertain significance. Last evaluated: 2023-09-14. Review status: criteria provided, single submitter. Criteria: GeneDx Variant Classification Process June 2021. Collection method: clinical testing. Allele origin: germline. Affected: yes.
Comment: Not observed at significant frequency in large population cohorts (gnomAD); In silico analysis supports that this missense variant has a deleterious effect on protein structure/function; Has been reported in patients with clinical features suggestive of VCP-related disorder in the published literature (PMID: 30955949, 37303947); This variant is associated with the following publications: (PMID: 30955949, 37303947)

Literature cited by the submitters: PubMed 30955949 (cited by Labcorp Genetics (formerly Invitae), Labcorp); PubMed 37303947 (cited by Labcorp Genetics (formerly Invitae), Labcorp); PubMed 31866807 (cited by Labcorp Genetics (formerly Invitae), Labcorp).